The following is an entry in ClinVar:

NM_003006.4(SELPLG):c.912C>T (p.Ser304=)

Gene: SELPLG (selectin P ligand; minus strand). Cytogenetic location: 12q24.11.
Variant type: single nucleotide variant.
Coding change: c.912C>T on transcript NM_003006.4 (MANE Select); coding-DNA position 912, C replaced by T.
Protein change: p.Ser304=; no amino-acid change (serine 304 retained).
Molecular consequence: synonymous variant.
Genome position (GRCh38, 1-based): chr12:108,623,396, G>A on the plus strand (C>T on the coding strand, the complement: SELPLG is on the minus strand). VCF-style: chr12-108623396-G-A. GRCh37 (hg19) VCF-style: chr12-109017172-G-A.
Other names: c.960C>T, p.Ser320= (NM_001206609.2); c.960C>T (NM_001206609.1).
Identifiers: ClinVar variation 756589 (VCV000756589.5), dbSNP rs140747810, ClinGen allele CA6769228.

ClinVar aggregate classification (germline): Likely benign. Review status: criteria provided, single submitter (1 of 4 stars). 2 submissions from 2 submitters: Likely benign (1). 1 of the submissions does not count toward it. Last evaluated 2018-07-31.

Conditions:
SELPLG-related disorder. Also called: SELPLG-related condition.

Allele frequency attached by ClinVar (database versions not stated): gnomAD exomes 0.00018 and 0.00010; ESP Exome Variant Server 0.00038; 1000 Genomes Project 0.00060; 1000 Genomes Project 30x 0.00062; gnomAD 0.00009 and 0.00010; ExAC 0.00016; TOPMed 0.00017.
gnomAD v4.1: 164 of 1,614,246 alleles (0.01%); highest among the groups gnomAD compares: South Asian, 0.076%; no homozygotes.

Submissions (2):

Labcorp Genetics (formerly Invitae), Labcorp
Classification: Likely benign. Last evaluated: 2018-07-31. Review status: criteria provided, single submitter. Criteria: Invitae Variant Classification Sherloc (09022015). Collection method: clinical testing. Allele origin: germline.

PreventionGenetics, part of Exact Sciences
Classification: Likely benign for SELPLG-related condition. Last evaluated: 2019-02-20. Review status: no assertion criteria provided. Collection method: clinical testing. Allele origin: germline. Not counted in ClinVar's aggregate classification.
Comment: This variant is classified as likely benign based on ACMG/AMP sequence variant interpretation guidelines (Richards et al. 2015 PMID: 25741868, with internal and published modifications).